The following is an entry in ClinVar:

ClinVar aggregate classification (germline): Uncertain significance. Review status: criteria provided, multiple submitters, no conflicts (2 of 4 stars). 4 submissions from 4 submitters: Uncertain significance (4). Last evaluated 2025-10-09.

Conditions:
Gnathodiaphyseal dysplasia (GDD). Also called: GNATHODIAPHYSEAL SCLEROSIS; OSTEOGENESIS IMPERFECTA WITH UNUSUAL SKELETAL LESIONS. Identifiers: Orphanet 53697, MedGen C1833736, MONDO:0008151, OMIM 166260.
Autosomal recessive limb-girdle muscular dystrophy type 2L (LGMDR12). Also called: Limb-girdle muscular dystrophy, type 2L; MUSCULAR DYSTROPHY, LIMB-GIRDLE, AUTOSOMAL RECESSIVE 12; Limb-Girdle Muscular Dystrophy R12 Anoctamin-5-Related (LGMD-R12). Identifiers: Orphanet 206549, MedGen C1969785, MONDO:0012652, OMIM 611307.
Inborn genetic diseases. Identifiers: MedGen C0950123, MeSH D030342.

Allele frequency attached by ClinVar (database versions not stated): gnomAD 0.00001; gnomAD exomes 0.00001.

Submissions (4):

Labcorp Genetics (formerly Invitae), Labcorp
Classification: Uncertain significance for Autosomal recessive limb-girdle muscular dystrophy type 2L; Gnathodiaphyseal dysplasia. Last evaluated: 2025-10-09. Review status: criteria provided, single submitter. Criteria: Invitae Variant Classification Sherloc (09022015). Collection method: clinical testing. Allele origin: germline.
Comment: This sequence change replaces proline, which is neutral and non-polar, with alanine, which is neutral and non-polar, at codon 152 of the ANO5 protein (p.Pro152Ala). This variant is present in population databases (no rsID available, gnomAD 0.002%). This variant has not been reported in the literature in individuals affected with ANO5-related conditions. ClinVar contains an entry for this variant (Variation ID: 1309429). Invitae Evidence Modeling of protein sequence and biophysical properties (such as structural, functional, and spatial information, amino acid conservation, physicochemical variation, residue mobility, and thermodynamic stability) indicates that this missense variant is expected to disrupt ANO5 protein function with a positive predictive value of 95%. In summary, the available evidence is currently insufficient to determine the role of this variant in disease. Therefore, it has been classified as a Variant of Uncertain Significance.

Ambry Genetics
Classification: Uncertain significance for Inborn genetic diseases. Last evaluated: 2025-01-15. Review status: criteria provided, single submitter. Criteria: Ambry Variant Classification Scheme 2023. Collection method: clinical testing. Allele origin: germline.

Revvity Omics, Revvity
Classification: Uncertain significance. Last evaluated: 2020-07-28. Review status: criteria provided, single submitter. Criteria: ACMG Guidelines, 2015. Collection method: clinical testing. Allele origin: germline.

GeneDx
Classification: Uncertain significance. Last evaluated: 2019-10-21. Review status: criteria provided, single submitter. Criteria: GeneDx Variant Classification Process June 2021. Collection method: clinical testing. Allele origin: germline. Affected: yes.
Comment: Not observed at a significant frequency in large population cohorts (Lek et al., 2016); In silico analysis, which includes protein predictors and evolutionary conservation, supports a deleterious effect; Has not been previously published as pathogenic or benign to our knowledge

NM_213599.3(ANO5):c.454C>G (p.Pro152Ala)

Gene: ANO5 (anoctamin 5; plus strand). Cytogenetic location: 11p14.3.
Variant type: single nucleotide variant.
Coding change: c.454C>G on transcript NM_213599.3 (MANE Select); coding-DNA position 454, C replaced by G.
Protein change: p.Pro152Ala; replaces proline 152 with alanine.
Molecular consequence: missense variant.
Genome position (GRCh38, 1-based): chr11:22,227,392, C>G. VCF-style: chr11-22227392-C-G. GRCh37 (hg19) VCF-style: chr11-22248938-C-G.
Other names: c.451C>G, p.Pro151Ala (NM_001142649.2); short protein forms P151A, P152A.
Identifiers: ClinVar variation 1309429 (VCV001309429.6), dbSNP rs995637790, ClinGen allele CA218735271.